The following is an entry in ClinVar:

NM_003640.5(ELP1):c.649+3A>G

Gene: ELP1 (elongator acetyltransferase complex subunit 1; minus strand). Cytogenetic location: 9q31.3.
Variant type: single nucleotide variant.
Coding change: c.649+3A>G on transcript NM_003640.5 (MANE Select); 3 bases into the intron after coding-DNA position 649, A replaced by G.
Molecular consequence: intron variant.
Genome position (GRCh38, 1-based): chr9:108,919,250, T>C on the plus strand (A>G on the coding strand, the complement: ELP1 is on the minus strand). VCF-style: chr9-108919250-T-C. GRCh37 (hg19) VCF-style: chr9-111681530-T-C.
Other names: c.649+3A>G (LRG_251t1); c.307+3A>G (NM_001318360.2); c.-307-1580A>G (NM_001330749.2).
Identifiers: ClinVar variation 526191 (VCV000526191.10), dbSNP rs1554701323, ClinGen allele CA658797264.
Genomic context (GRCh38, chr9:108,919,250, plus strand): 5'-TTTCCTTAATTTTAATAAGATAAAAATTTTTTATTGTTGTTTAACTGCAATATATTTCCA[T>C]ACCTGTTTCTGGGCAAACAACACTCACAGCAAAAAACTGTCCATCCCCCCGCCAGGTAAC-3'

ClinVar aggregate classification (germline): Uncertain significance. Review status: criteria provided, multiple submitters, no conflicts (2 of 4 stars). 3 submissions from 3 submitters: Uncertain significance (2). 1 of the submissions does not count toward it. Last evaluated 2024-07-31.

Conditions:
ELP1-Associated Medulloblastoma. Identifiers: MedGen C5670652.
Familial dysautonomia. Also called: FD; HSAN III. Identifiers: Orphanet 1764, MedGen C0013364, MONDO:0009131, OMIM 223900. Disease mechanism: loss of function.

Allele frequency attached by ClinVar (database versions not stated): gnomAD exomes below 0.00001.

Submissions (3):

Institute for Genomic Medicine (IGM) Clinical Laboratory, Nationwide Children's Hospital
Classification: Uncertain significance for ELP1-Associated Medulloblastoma. Last evaluated: 2024-07-31. Review status: criteria provided, single submitter. Criteria: ACMG Guidelines, 2015. Collection method: clinical testing. Allele origin: germline.
Comment: This variant is absent from or present at an exceedingly low frequency in gnomAD, a large-scale control population database (ACMG/AMP: PM2).

Labcorp Genetics (formerly Invitae), Labcorp
Classification: Uncertain significance. Last evaluated: 2021-04-29. Review status: criteria provided, single submitter. Criteria: Invitae Variant Classification Sherloc (09022015). Collection method: clinical testing. Allele origin: germline.
Comment: This sequence change falls in intron 7 of the IKBKAP gene. It does not directly change the encoded amino acid sequence of the IKBKAP protein, but it affects a nucleotide within the consensus splice site of the intron. This variant is not present in population databases (ExAC no frequency). This variant has not been reported in the literature in individuals with IKBKAP-related disease. Nucleotide substitutions within the consensus splice site are a relatively common cause of aberrant splicing (PMID: 17576681, 9536098). Algorithms developed to predict the effect of sequence changes on RNA splicing suggest that this variant may disrupt the consensus splice site, but this prediction has not been confirmed by published transcriptional studies. In summary, the available evidence is currently insufficient to determine the role of this variant in disease. Therefore, it has been classified as a Variant of Uncertain Significance.

Natera, Inc.
Classification: Uncertain significance for Familial dysautonomia. Last evaluated: 2020-10-30. Review status: no assertion criteria provided. Collection method: clinical testing. Allele origin: germline. Not counted in ClinVar's aggregate classification.

Literature cited by the submitters: PubMed 17576681 (cited by Labcorp Genetics (formerly Invitae), Labcorp); PubMed 9536098 (cited by Labcorp Genetics (formerly Invitae), Labcorp).